The following is an entry in ClinVar:

NM_203288.2(RP9):c.608A>T (p.Lys203Met)

Gene: RP9 (RP9 pre-mRNA splicing factor; minus strand). Cytogenetic location: 7p14.3.
Variant type: single nucleotide variant.
Coding change: c.608A>T on transcript NM_203288.2 (MANE Select); coding-DNA position 608, A replaced by T.
Protein change: p.Lys203Met; replaces lysine 203 with methionine.
Molecular consequence: missense variant.
Genome position (GRCh38, 1-based): chr7:33,095,292, T>A on the plus strand (A>T on the coding strand, the complement: RP9 is on the minus strand). VCF-style: chr7-33095292-T-A. GRCh37 (hg19) VCF-style: chr7-33134904-T-A.
Other names: short protein forms K203M.
Identifiers: ClinVar variation 450590 (VCV000450590.2), dbSNP rs1554296572, ClinGen allele CA367180543.

ClinVar aggregate classification (germline): Uncertain significance (1 of 4 stars; one submission).

Submission:

GeneDx
Classification: Uncertain significance. Last evaluated: 2017-07-14. Review status: criteria provided, single submitter. Criteria: GeneDx Variant Classification (06012015). Collection method: clinical testing. Allele origin: germline. Affected: yes.
Comment: The K203M variant in the RP9 gene has not been reported previously as a pathogenic variant, nor as a benign variant, to our knowledge. The K203M variant is not observed in large population cohorts (Lek et al., 2016). The K203M variant is a non-conservative amino acid substitution, which is likely to impact secondary protein structure as these residues differ in polarity, charge, size and/or other properties. This substitution occurs at a position that is conserved across species. In silico analysis predicts this variant is probably damaging to the protein structure/function. We interpret K203M as a variant of uncertain significance.